The following is an entry in ClinVar:

ClinVar aggregate classification (germline): Likely benign. Review status: criteria provided, multiple submitters, no conflicts (2 of 4 stars). 2 submissions from 2 submitters: Likely benign (2). Last evaluated 2026-09-01.

Allele frequency attached by ClinVar (database versions not stated): 1000 Genomes Project 30x 0.00172; 1000 Genomes Project 0.00200; gnomAD 0.00319; TOPMed 0.00329; gnomAD exomes 0.00426.
gnomAD v4.1: 1,522 of 398,186 alleles (0.38%); highest among the groups gnomAD compares: Non-Finnish European, 0.54%; 6 homozygotes.

Submissions (2):

CeGaT Center for Human Genetics Tuebingen
Classification: Likely benign. Last evaluated: 2026-09-01. Review status: criteria provided, single submitter. Criteria: CeGaT Center For Human Genetics Tuebingen Variant Classification Criteria Version 2. Collection method: clinical testing. Allele origin: germline. Affected: yes. Observed: 48 variant alleles.
Comment: KCNQ1: BS2

Blueprint Genetics
Classification: Likely benign. Last evaluated: 2024-11-21. Review status: criteria provided, single submitter. Criteria: ACMG Guidelines, 2015. Collection method: clinical testing. Allele origin: germline.

NM_000218.3(KCNQ1):c.1394-1803G>A

Genes: KCNQ1 (potassium voltage-gated channel subfamily Q member 1; plus strand), KCNQ1OT1 (KCNQ1 opposite strand/antisense transcript 1; minus strand). Cytogenetic location: 11p15.5.
Variant type: single nucleotide variant.
Coding change: c.1394-1803G>A on transcript NM_000218.3 (MANE Select); 1803 bases into the intron before coding-DNA position 1394, G replaced by A.
Molecular consequence: intron variant.
Genome position (GRCh38, 1-based): chr11:2,660,158, G>A. VCF-style: chr11-2660158-G-A. GRCh37 (hg19) VCF-style: chr11-2681388-G-A.
Other names: c.1124-1803G>A (NM_001406837.1); c.1298-1803G>A (NM_001406836.1); c.854-1803G>A (NM_001406838.1); c.1013-1803G>A (NM_181798.2).
Identifiers: ClinVar variation 1711297 (VCV001711297.31), dbSNP rs190166439, ClinGen allele CA216169146.